The following is an entry in ClinVar:

ClinVar aggregate classification (germline): Uncertain significance. Review status: criteria provided, multiple submitters, no conflicts (2 of 4 stars). 2 submissions from 2 submitters: Uncertain significance (2). Last evaluated 2026-04-06.

Conditions:
Inborn genetic diseases. Identifiers: MedGen C0950123, MeSH D030342.

Allele frequency attached by ClinVar (database versions not stated): TOPMed 0.00001; gnomAD 0.00001; ExAC 0.00002.
gnomAD v4.1: 9 of 1,600,232 alleles (0.00056%); highest among the groups gnomAD compares: Non-Finnish European, 0.0006%; no homozygotes.

Submissions (2):

Ambry Genetics
Classification: Uncertain significance for Inborn genetic diseases. Last evaluated: 2026-04-06. Review status: criteria provided, single submitter. Criteria: Ambry Variant Classification Scheme 2023. Collection method: clinical testing. Allele origin: germline.

GeneDx
Classification: Uncertain significance. Last evaluated: 2022-10-25. Review status: criteria provided, single submitter. Criteria: GeneDx Variant Classification Process June 2021. Collection method: clinical testing. Allele origin: germline. Affected: yes.
Comment: Not observed at significant frequency in large population cohorts (gnomAD); In silico analysis supports that this missense variant does not alter protein structure/function; Has not been previously published as pathogenic or benign to our knowledge

NM_018082.6(POLR3B):c.2530A>C (p.Asn844His)

Gene: POLR3B (RNA polymerase III subunit B; plus strand). Cytogenetic location: 12q23.3.
Variant type: single nucleotide variant.
Coding change: c.2530A>C on transcript NM_018082.6 (MANE Select); coding-DNA position 2530, A replaced by C.
Protein change: p.Asn844His; replaces asparagine 844 with histidine.
Molecular consequence: missense variant.
Genome position (GRCh38, 1-based): chr12:106,459,328, A>C. VCF-style: chr12-106459328-A-C. GRCh37 (hg19) VCF-style: chr12-106853106-A-C.
Other names: c.2356A>C, p.Asn786His (NM_001160708.2); short protein forms N786H, N844H.
Identifiers: ClinVar variation 2500487 (VCV002500487.2), dbSNP rs776199937, ClinGen allele CA6762218.